The following is an entry in ClinVar:

ClinVar aggregate classification (germline): Pathogenic (1 of 4 stars; one submission).

Conditions:
Primary ciliary dyskinesia. Also called: Ciliary dyskinesia. Identifiers: Orphanet 244, MedGen C0008780, MONDO:0016575, HP:0012265.

Submission:

Labcorp Genetics (formerly Invitae), Labcorp
Classification: Pathogenic for Primary ciliary dyskinesia. Last evaluated: 2025-12-28. Review status: criteria provided, single submitter. Criteria: Invitae Variant Classification Sherloc (09022015). Collection method: clinical testing. Allele origin: germline.
Comment: This sequence change creates a premature translational stop signal (p.Glu942Glyfs*153) in the RPGR (ORF15) gene. While this is not anticipated to result in nonsense mediated decay, it is expected to disrupt the last 211 amino acid(s) of the RPGR (ORF15) protein. The frequency data for this variant in the population databases is considered unreliable, as metrics indicate insufficient coverage at this position in the gnomAD database. This variant has not been reported in the literature in individuals affected with RPGR (ORF15)-related conditions. This variant disrupts a region of the RPGR (ORF15) protein in which other variant(s) (p.Leu1130Lysfs*13) have been determined to be pathogenic (PMID: 22264887). This suggests that this is a clinically significant region of the protein, and that variants that disrupt it are likely to be disease-causing. For these reasons, this variant has been classified as Pathogenic.

Literature cited by the submitters: PubMed 22264887.

NM_001034853.2(RPGR):c.2824_2825insGAAGAGGAGGAAGGAGAAGGGGAAGGGGAGGATGGAGAAGGGGAAGGGG (p.Glu942fs)

Gene: RPGR (retinitis pigmentosa GTPase regulator; minus strand). Cytogenetic location: Xp11.4.
Variant type: Microsatellite.
Coding change: c.2824_2825insGAAGAGGAGGAAGGAGAAGGGGAAGGGGAGGATGGAGAAGGGGAAGGGG on transcript NM_001034853.2 (MANE Select); coding-DNA positions 2824 to 2825, GAAGAGGAGGAAGGAGAAGGGGAAGGGGAGGATGGAGAAGGGGAAGGGG inserted.
Protein change: p.Glu942fs; shifts the reading frame from glutamic acid 942.
Molecular consequence: frameshift variant. On other transcripts: intron variant (8).
Genome position: GRCh38: chrX:38,286,175-38,286,190. GRCh37 (hg19), VCF-style position (the base before the change): chrX:38,145,427.
Other names: c.1569+4784_1569+4785insGGAGAAGGGGAAGGGGGAAGAGGAGGAAGGAGAAGGGGAAGGGGAGGAT (NM_001367249.1, NM_001367250.1); c.1902+919_1902+920insGGAGAAGGGGAAGGGGGAAGAGGAGGAAGGAGAAGGGGAAGGGGAGGAT (NM_001367245.1); c.1386+4784_1386+4785insGGAGAAGGGGAAGGGGGAAGAGGAGGAAGGAGAAGGGGAAGGGGAGGAT (NM_001367251.1); c.1719+919_1719+920insGGAGAAGGGGAAGGGGGAAGAGGAGGAAGGAGAAGGGGAAGGGGAGGAT (NM_001367246.1); c.1572+4784_1572+4785insGGAGAAGGGGAAGGGGGAAGAGGAGGAAGGAGAAGGGGAAGGGGAGGAT (NM_001367247.1); c.1905+919_1905+920insGGAGAAGGGGAAGGGGGAAGAGGAGGAAGGAGAAGGGGAAGGGGAGGAT (NM_000328.3); c.1602+4784_1602+4785insGGAGAAGGGGAAGGGGGAAGAGGAGGAAGGAGAAGGGGAAGGGGAGGAT (NM_001367248.1); short protein forms E942fs.
Identifiers: ClinVar variation 4733859 (VCV004733859.1).